The following is an entry in ClinVar:

ClinVar aggregate classification (germline): Likely benign (1 of 4 stars; one submission).

Allele frequency attached by ClinVar (database versions not stated): gnomAD 0.00001; ExAC 0.00002; TOPMed 0.00002; gnomAD exomes 0.00003.
gnomAD v4.1: 40 of 1,612,180 alleles (0.0025%); highest among the groups gnomAD compares: Non-Finnish European, 0.0031%; no homozygotes.

Submission:

CeGaT Center for Human Genetics Tuebingen
Classification: Likely benign. Last evaluated: 2023-09-01. Review status: criteria provided, single submitter. Criteria: CeGaT Center For Human Genetics Tuebingen Variant Classification Criteria Version 2. Collection method: clinical testing. Allele origin: germline. Affected: yes. Observed: 1 variant allele.
Comment: ADCY5: BP4, BP7

NM_183357.3(ADCY5):c.3642A>G (p.Val1214=)

Gene: ADCY5 (adenylate cyclase 5; minus strand). Cytogenetic location: 3q21.1.
Variant type: single nucleotide variant.
Coding change: c.3642A>G on transcript NM_183357.3 (MANE Select); coding-DNA position 3642, A replaced by G.
Protein change: p.Val1214=; no amino-acid change (valine 1214 retained).
Molecular consequence: synonymous variant.
Genome position (GRCh38, 1-based): chr3:123,286,700, T>C on the plus strand (A>G on the coding strand, the complement: ADCY5 is on the minus strand). VCF-style: chr3-123286700-T-C. GRCh37 (hg19) VCF-style: chr3-123005547-T-C.
Other names: c.2592A>G, p.Val864= (NM_001199642.1); c.3717A>G, p.Val1239= (NM_001378259.1).
Identifiers: ClinVar variation 2654074 (VCV002654074.24), dbSNP rs764340902, ClinGen allele CA2576726.
Genomic context (GRCh38, chr3:123,286,700, plus strand): 5'-AGGACCTCCCATGGGGTGAGGGGTGGTGGATGCTCCTGCACTCACCTGGATGCGGTCGGG[T>C]ACACCGGTGCTGTCCATGCGGCTGGCCACGTTCACGGTATTGCCCCAGATGTCGTACTGA-3'
Protein context (NP_899200.1, residues 1204-1224): NVASRMDSTG[Val1214=]PDRIQVTTDM